The following is an entry in ClinVar:

ClinVar aggregate classification (germline): Likely pathogenic (1 of 4 stars; one submission).

Conditions:
Developmental delay with variable neurologic and brain abnormalities (MLHNS). Also called: MALHOTRA NEURODEVELOPMENTAL SYNDROME. Identifiers: MedGen C5562060, MONDO:0859218, OMIM 619694.

Submission:

Genetics Department, University Hospital of Toulouse
Classification: Likely pathogenic for Developmental delay with variable neurologic and brain abnormalities. Last evaluated: 2026-10-22. Review status: criteria provided, single submitter. Criteria: ACMG Guidelines, 2015. Collection method: clinical testing. Allele origin: unknown. Inheritance: Autosomal dominant inheritance. Affected: yes.
Comment: The LMBRD2 c.1436T>G p.(Met479Arg) missense variant has been identified in individuals with a phenotype consistent with developmental delay with variable neurologic and brain abnormalities in a de novo state (PMID: 32820033; internal data). This variant is not observed in version 4.1.2 of the Genome Aggregation Database. This variant is located in a known functional domain (PMID: 32820033). Multiple lines of computational evidence suggest the variant may impact the gene or gene product. Based on the available evidence, the c.367T>C p.(Trp123Arg) variant has been classified as likely pathogenic for developmental delay with variable neurologic and brain abnormalities.

Literature cited by the submitters: PubMed 32820033.

NM_001007527.2(LMBRD2):c.1436T>G (p.Met479Arg)

Gene: LMBRD2 (LMBR1 domain containing 2; minus strand). Cytogenetic location: 5p13.2.
Variant type: single nucleotide variant.
Coding change: c.1436T>G on transcript NM_001007527.2 (MANE Select); coding-DNA position 1436, T replaced by G.
Protein change: p.Met479Arg; replaces methionine 479 with arginine.
Molecular consequence: missense variant.
Genome position (GRCh38, 1-based): chr5:36,116,460, A>C on the plus strand (T>G on the coding strand, the complement: LMBRD2 is on the minus strand). VCF-style: chr5-36116460-A-C. GRCh37 (hg19) VCF-style: chr5-36116562-A-C.
Other names: short protein forms M479R.
Identifiers: ClinVar variation 5043350 (VCV005043350.1).
Genomic context (GRCh38, chr5:36,116,460, plus strand): 5'-ATCCATAAGAATACACTCAATGATGACATTTCTCTTGTTTCTAAACATAATCCTACTTAC[A>C]TGCCACTGAAAAGAAGGCTATAAGCATCAGTCTGGTGATGTGAGGCCAAATAATAATAGT-3'
Protein context (NP_001007528.1, residues 469-489): TDAYSLLFSG[Met479Arg]LFCRLTPPLC